The following is an entry in ClinVar:

ClinVar aggregate classification (germline): Benign (1 of 4 stars; one submission).

Conditions:
Hypohidrotic ectodermal dysplasia (HED). Identifiers: Orphanet 238468, MedGen C5848103, MONDO:0016535, HP:0007607.

Allele frequency attached by ClinVar (database versions not stated): gnomAD 0.00495 and 0.00512; 1000 Genomes Project 30x 0.00500; TOPMed 0.00622; gnomAD exomes 0.00141; 1000 Genomes Project 0.00539.
gnomAD v4.1: 1,467 of 604,600 alleles (0.24%); highest among the groups gnomAD compares: African/African-American, 1.4%; 8 homozygotes.

Submission:

Illumina Laboratory Services, Illumina
Classification: Benign for Hypohidrotic ectodermal dysplasia. Last evaluated: 2018-01-13. Review status: criteria provided, single submitter. Criteria: ICSL Variant Classification Criteria 13 December 2019. Collection method: clinical testing. Allele origin: germline.
Comment: This variant was observed in the ICSL laboratory as part of a predisposition screen in an ostensibly healthy population. It had not been previously curated by ICSL or reported in the Human Gene Mutation Database (HGMD: prior to June 1st, 2018), and was therefore a candidate for classification through an automated scoring system. Utilizing variant allele frequency, disease prevalence and penetrance estimates, and inheritance mode, an automated score was calculated to assess if this variant is too frequent to cause the disease. Based on the score and internal cut-off values, a variant classified as benign is not then subjected to further curation. The score for this variant resulted in a classification of benign for this disease.

NM_145861.4(EDARADD):c.*285G>A

Gene: EDARADD (EDAR associated via death domain; plus strand). Cytogenetic location: 1q43.
Variant type: single nucleotide variant.
Coding change: c.*285G>A on transcript NM_145861.4 (MANE Select); 285 bases downstream of the stop codon, G replaced by A.
Molecular consequence: 3 prime UTR variant.
Genome position (GRCh38, 1-based): chr1:236,482,934, G>A. VCF-style: chr1-236482934-G-A. GRCh37 (hg19) VCF-style: chr1-236646234-G-A.
Other names: c.*285G>A (NM_080738.5, NM_001422628.1).
Identifiers: ClinVar variation 296457 (VCV000296457.6), dbSNP rs142266831, ClinGen allele CA10609574.